The following is an entry in ClinVar:

ClinVar aggregate classification (germline): Uncertain significance. Review status: criteria provided, multiple submitters, no conflicts (2 of 4 stars). 2 submissions from 2 submitters: Uncertain significance (2). Last evaluated 2024-08-19.

Submissions (2):

Ambry Genetics
Classification: Uncertain significance. Last evaluated: 2024-08-19. Review status: criteria provided, single submitter. Criteria: Ambry Variant Classification Scheme 2023. Collection method: clinical testing. Allele origin: germline.
Comment: The p.V255A variant (also known as c.764T>C), located in coding exon 2 of the TERF2IP gene, results from a T to C substitution at nucleotide position 764. The valine at codon 255 is replaced by alanine, an amino acid with similar properties. This amino acid position is conserved. In addition, this alteration is predicted to be tolerated by in silico analysis. Based on the available evidence, the clinical significance of this variant remains unclear.

Labcorp Genetics (formerly Invitae), Labcorp
Classification: Uncertain significance. Last evaluated: 2024-08-02. Review status: criteria provided, single submitter. Criteria: Invitae Variant Classification Sherloc (09022015). Collection method: clinical testing. Allele origin: germline.
Comment: This sequence change replaces valine, which is neutral and non-polar, with alanine, which is neutral and non-polar, at codon 255 of the TERF2IP protein (p.Val255Ala). This variant is not present in population databases (gnomAD no frequency). This variant has not been reported in the literature in individuals affected with TERF2IP-related conditions. An algorithm developed to predict the effect of missense changes on protein structure and function (PolyPhen-2) suggests that this variant is likely to be tolerated. In summary, the available evidence is currently insufficient to determine the role of this variant in disease. Therefore, it has been classified as a Variant of Uncertain Significance.

NM_018975.4(TERF2IP):c.764T>C (p.Val255Ala)

Gene: TERF2IP (TERF2 interacting protein; plus strand). Cytogenetic location: 16q23.1.
Variant type: single nucleotide variant.
Coding change: c.764T>C on transcript NM_018975.4 (MANE Select); coding-DNA position 764, T replaced by C.
Protein change: p.Val255Ala; replaces valine 255 with alanine.
Molecular consequence: missense variant. On other transcripts: non-coding transcript variant (1).
Genome position (GRCh38, 1-based): chr16:75,654,366, T>C. VCF-style: chr16-75654366-T-C. GRCh37 (hg19) VCF-style: chr16-75688264-T-C.
Other names: short protein forms V255A.
Identifiers: ClinVar variation 3455082 (VCV003455082.3).